The following is an entry in ClinVar:

NM_001384140.1(PCDH15):c.3101G>A (p.Arg1034His)

Gene: PCDH15 (protocadherin related 15; minus strand). Cytogenetic location: 10q21.1.
Variant type: single nucleotide variant.
Coding change: c.3101G>A on transcript NM_001384140.1 (MANE Select); coding-DNA position 3101, G replaced by A.
Protein change: p.Arg1034His; replaces arginine 1034 with histidine.
Molecular consequence: missense variant.
Genome position (GRCh38, 1-based): chr10:53,959,753, C>T on the plus strand (G>A on the coding strand, the complement: PCDH15 is on the minus strand). VCF-style: chr10-53959753-C-T. GRCh37 (hg19) VCF-style: chr10-55719513-C-T.
Other names: NM_001384140.1(PCDH15):c.3101G>A; p.Arg1034His; c.3116G>A, p.Arg1039His (NM_001142763.2, NM_001142771.2); c.3101G>A, p.Arg1034His (NM_001142764.2, NM_001142766.2, NM_001142770.3 and 4 more transcripts); c.2888G>A, p.Arg963His (NM_001142765.2); c.2990G>A, p.Arg997His (NM_001142767.2); c.3035G>A, p.Arg1012His (NM_001142768.2, NM_001142773.2, NM_001354404.2); c.3137G>A, p.Arg1046His (NM_001142769.4); and 1 more; short protein forms R1034H, R1012H, R1046H, R963H, R997H, R1039H, R1041H.
Identifiers: ClinVar variation 544690 (VCV000544690.10), dbSNP rs907693214, ClinGen allele CA207208267.

ClinVar aggregate classification (germline): Uncertain significance. Review status: criteria provided, multiple submitters, no conflicts (2 of 4 stars). 8 submissions from 7 submitters: Uncertain significance (7). 1 of the submissions does not count toward it. Last evaluated 2023-01-24.

Conditions:
Non-Syndromic Hereditary Hearing Impairment.
Autosomal recessive nonsyndromic hearing loss 23. Identifiers: Orphanet 90636, MedGen C1836027, MONDO:0012293, OMIM 609533.
Usher syndrome type 1F (USH1F). Also called: USHER SYNDROME, TYPE IF. Identifiers: Orphanet 231169, Orphanet 886, MedGen C1865885, MONDO:0011186, OMIM 602083.

Allele frequency attached by ClinVar (database versions not stated): gnomAD exomes 0.00001; TOPMed 0.00002; gnomAD 0.00003.
gnomAD v4.1: 34 of 1,613,224 alleles (0.0021%); highest among the groups gnomAD compares: Middle Eastern, 0.049%; no homozygotes.

Submissions (8):

Broad Center for Mendelian Genomics, Broad Institute of MIT and Harvard
Classification: Uncertain significance for Usher syndrome type 1F. Last evaluated: 2023-01-24. Review status: criteria provided, single submitter. Criteria: ACMG Guidelines, 2015. Collection method: curation. Allele origin: germline. Inheritance: Autosomal recessive inheritance.
Comment: The p.Arg1034His variant in PCDH15 has been reported in 2 individuals with Usher syndrome type 1F (PMID: 26226137, 30029624), segregated with disease in 1 affected relative from 1 family (PMID: 30029624), and has been identified in 0.005% (1/19946) of East Asian chromosomes by the Genome Aggregation Database (gnomAD; dbSNP ID: rs907693214). Although this variant has been seen in the general population in a heterozygous state, its frequency is low enough to be consistent with a recessive carrier frequency. This variant has also been reported in ClinVar (Variation ID#: 544690) and has been interpreted as likely pathogenic by University of Washington Center for Mendelian Genomics (University of Washington) and as a variant of uncertain significance by Invitae and Genome-Nilou Lab. Of the 2 affected individuals, 1 of those was a homozygote, which increases the likelihood that the p.Arg1034His variant is pathogenic (PMID: 26226137). Computational prediction tools, including splice predictors, and conservation analyses suggest that this variant may not impact the protein, though this information is not predictive enough to rule out pathogenicity. In summary, the clinical significance of the p.Arg1034His variant is uncertain. ACMG/AMP Criteria applied: BP4, PM2_supporting, PM3_supporting (Richards 2015).

GeneDx
Classification: Uncertain significance. Last evaluated: 2022-11-07. Review status: criteria provided, single submitter. Criteria: GeneDx Variant Classification Process June 2021. Collection method: clinical testing. Allele origin: germline. Affected: yes.
Comment: Not observed at significant frequency in large population cohorts (gnomAD); In silico analysis supports that this missense variant does not alter protein structure/function; This variant is associated with the following publications: (PMID: 34426522, 23804846, 26226137, 28483220, 30029624)

Labcorp Genetics (formerly Invitae), Labcorp
Classification: Uncertain significance. Last evaluated: 2022-09-07. Review status: criteria provided, single submitter. Criteria: Invitae Variant Classification Sherloc (09022015). Collection method: clinical testing. Allele origin: germline.
Comment: This sequence change replaces arginine, which is basic and polar, with histidine, which is basic and polar, at codon 1034 of the PCDH15 protein (p.Arg1034His). This variant is not present in population databases (gnomAD no frequency). This missense change has been observed in individual(s) with clinical features of nonsyndromic deafness (PMID: 23804846, 26226137, 30029624). This variant is also known as c.3116G>A (p.Arg1039His). ClinVar contains an entry for this variant (Variation ID: 544690). Algorithms developed to predict the effect of missense changes on protein structure and function output the following: SIFT: "Deleterious"; PolyPhen-2: "Benign"; Align-GVGD: "Class C0". The histidine amino acid residue is found in multiple mammalian species, which suggests that this missense change does not adversely affect protein function. In summary, the available evidence is currently insufficient to determine the role of this variant in disease. Therefore, it has been classified as a Variant of Uncertain Significance.

Women's Health and Genetics/Laboratory Corporation of America, LabCorp
Classification: Uncertain significance. Last evaluated: 2022-06-22. Review status: criteria provided, single submitter. Criteria: LabCorp Variant Classification Summary - May 2015. Collection method: clinical testing. Allele origin: germline.
Comment: Variant summary: PCDH15 c.3101G>A (p.Arg1034His) results in a non-conservative amino acid change located in the cadherin-like domain (IPR002126) of the encoded protein sequence. Four of five in-silico tools predict a damaging effect of the variant on protein function. The variant allele was found at a frequency of 8e-06 in 251362 control chromosomes (gnomAD). The available data on variant occurrences in the general population are insufficient to allow any conclusion about variant significance. c.3101G>A has been reported in the literature in several individuals affected with non-syndromic hearing loss (e.g. Shearer_2013, Bademci_2016, Schrauwen_2018). However, these reports do not provide unequivocal conclusions about association of the variant with Usher Syndrome Type 1F. To our knowledge, no experimental evidence demonstrating an impact on protein function has been reported. Two assessments for this variant have been submitted to ClinVar after 2014 and both classified the variant as uncertain significance. Based on the evidence outlined above, the variant was classified as uncertain significance.

Blueprint Genetics
Classification: Uncertain significance. Last evaluated: 2022-05-10. Review status: criteria provided, single submitter. Criteria: ACMG Guidelines, 2015. Collection method: clinical testing. Allele origin: germline.

Genome-Nilou Lab
Classification: Uncertain significance for Autosomal recessive nonsyndromic hearing loss 23. Last evaluated: 2021-07-22. Review status: criteria provided, single submitter. Criteria: ACMG Guidelines, 2015. Collection method: clinical testing. Allele origin: germline. Affected: no.

Genome-Nilou Lab
Classification: Uncertain significance for Usher syndrome type 1F. Last evaluated: 2021-07-22. Review status: criteria provided, single submitter. Criteria: ACMG Guidelines, 2015. Collection method: clinical testing. Allele origin: germline. Affected: no.

University of Washington Center for Mendelian Genomics, University of Washington
Classification: Likely pathogenic for Non-Syndromic Hereditary Hearing Impairment. Review status: no assertion criteria provided. Collection method: research. Allele origin: inherited. Affected: yes. Not counted in ClinVar's aggregate classification.

Literature cited by the submitters: PubMed 23804846 (cited by Labcorp Genetics (formerly Invitae), Labcorp and Women's Health and Genetics/Laboratory Corporation of America, LabCorp); PubMed 26226137 (cited by Labcorp Genetics (formerly Invitae), Labcorp and Women's Health and Genetics/Laboratory Corporation of America, LabCorp); PubMed 30029624 (cited by 3 submitters).